The following is an entry in ClinVar:

NM_001104631.2(PDE4D):c.2315A>G (p.Asp772Gly)

Gene: PDE4D (phosphodiesterase 4D; minus strand). Cytogenetic location: 5q11.2.
Variant type: single nucleotide variant.
Coding change: c.2315A>G on transcript NM_001104631.2 (MANE Select); coding-DNA position 2315, A replaced by G.
Protein change: p.Asp772Gly; replaces aspartic acid 772 with glycine.
Molecular consequence: missense variant.
Genome position (GRCh38, 1-based): chr5:58,974,779, T>C on the plus strand (A>G on the coding strand, the complement: PDE4D is on the minus strand). VCF-style: chr5-58974779-T-C. GRCh37 (hg19) VCF-style: chr5-58270606-T-C.
Other names: c.2132A>G, p.Asp711Gly (NM_001165899.2, NM_001364599.1); c.2123A>G, p.Asp708Gly (NM_001197218.2); c.1949A>G, p.Asp650Gly (NM_001197219.2); c.1925A>G, p.Asp642Gly (NM_001197220.2); c.1409A>G, p.Asp470Gly (NM_001197221.2, NM_001364603.1); c.1643A>G, p.Asp548Gly (NM_001197222.2); c.1442A>G, p.Asp481Gly (NM_001197223.2); c.2102A>G, p.Asp701Gly (NM_001349241.2); and 3 more; short protein forms D470G, D650G, D701G, D708G, D481G, D662G, D548G, D642G.
Identifiers: ClinVar variation 1475867 (VCV001475867.6), dbSNP rs1743296253, ClinGen allele CA359812323.

ClinVar aggregate classification (germline): Uncertain significance (1 of 4 stars; one submission).

Allele frequency attached by ClinVar (database versions not stated): gnomAD exomes below 0.00001; TOPMed below 0.00001.
gnomAD v4.1: 1 of 1,613,664 alleles (0.000062%); highest among the groups gnomAD compares: African/African-American, 0.0013%; no homozygotes.

Submission:

Labcorp Genetics (formerly Invitae), Labcorp
Classification: Uncertain significance. Last evaluated: 2022-10-17. Review status: criteria provided, single submitter. Criteria: Invitae Variant Classification Sherloc (09022015). Collection method: clinical testing. Allele origin: germline.
Comment: In summary, the available evidence is currently insufficient to determine the role of this variant in disease. Therefore, it has been classified as a Variant of Uncertain Significance. Algorithms developed to predict the effect of missense changes on protein structure and function are either unavailable or do not agree on the potential impact of this missense change (SIFT: "Tolerated"; PolyPhen-2: "Possibly Damaging"; Align-GVGD: "Class C0"). ClinVar contains an entry for this variant (Variation ID: 1475867). This variant has not been reported in the literature in individuals affected with PDE4D-related conditions. This variant is not present in population databases (gnomAD no frequency). This sequence change replaces aspartic acid, which is acidic and polar, with glycine, which is neutral and non-polar, at codon 772 of the PDE4D protein (p.Asp772Gly).